The following is an entry in ClinVar:

NM_001258392.3(CLPB):c.1717C>T (p.Arg573Cys)

Gene: CLPB (ClpB family mitochondrial disaggregase; minus strand). Cytogenetic location: 11q13.4.
Variant type: single nucleotide variant.
Coding change: c.1717C>T on transcript NM_001258392.3 (MANE Select); coding-DNA position 1717, C replaced by T.
Protein change: p.Arg573Cys; replaces arginine 573 with cysteine.
Molecular consequence: missense variant.
Genome position (GRCh38, 1-based): chr11:72,294,090, G>A on the plus strand (C>T on the coding strand, the complement: CLPB is on the minus strand). VCF-style: chr11-72294090-G-A. GRCh37 (hg19) VCF-style: chr11-72005134-G-A.
Other names: c.1630C>T, p.Arg544Cys (NM_001258393.3); c.1672C>T, p.Arg558Cys (NM_001258394.3); c.1807C>T, p.Arg603Cys (NM_030813.6); short protein forms R558C, R573C, R603C, R544C.
Identifiers: ClinVar variation 1434028 (VCV001434028.6), dbSNP rs186989806, ClinGen allele CA6171060.

ClinVar aggregate classification (germline): Uncertain significance (1 of 4 stars; one submission).

Conditions:
3-methylglutaconic aciduria, type VIIB (MGCA7B). Also called: 3-methylglutaconic aciduria with cataracts, neurologic involvement and neutropenia; 3-methylglutaconic aciduria, type VII, with cataracts, neurologic involvement and neutropenia; CLPB Deficiency. Identifiers: Orphanet 445038, MedGen C5676893, MONDO:0014561, OMIM 616271.

Allele frequency attached by ClinVar (database versions not stated): gnomAD 0.00001 and 0.00002; TOPMed 0.00004; 1000 Genomes Project 30x 0.00016; 1000 Genomes Project 0.00020.
gnomAD v4.1: 34 of 1,614,150 alleles (0.0021%); highest among the groups gnomAD compares: East Asian, 0.04%; no homozygotes.

Submission:

Labcorp Genetics (formerly Invitae), Labcorp
Classification: Uncertain significance for 3-methylglutaconic aciduria, type VIIB. Last evaluated: 2025-05-26. Review status: criteria provided, single submitter. Criteria: Invitae Variant Classification Sherloc (09022015). Collection method: clinical testing. Allele origin: germline.
Comment: This sequence change replaces arginine, which is basic and polar, with cysteine, which is neutral and slightly polar, at codon 603 of the CLPB protein (p.Arg603Cys). This variant is present in population databases (rs186989806, gnomAD 0.002%). This variant has not been reported in the literature in individuals affected with CLPB-related conditions. ClinVar contains an entry for this variant (Variation ID: 1434028). An algorithm developed to predict the effect of missense changes on protein structure and function (PolyPhen-2) suggests that this variant is likely to be disruptive. In summary, the available evidence is currently insufficient to determine the role of this variant in disease. Therefore, it has been classified as a Variant of Uncertain Significance.